The following is an entry in ClinVar:

ClinVar aggregate classification (germline): Uncertain significance. Review status: criteria provided, multiple submitters, no conflicts (2 of 4 stars). 2 submissions from 2 submitters: Uncertain significance (2). Last evaluated 2025-11-13.

Conditions:
Inborn genetic diseases. Identifiers: MedGen C0950123, MeSH D030342.

Allele frequency attached by ClinVar (database versions not stated): gnomAD exomes below 0.00001; TOPMed below 0.00001.
gnomAD v4.1: 1 of 1,613,648 alleles (0.000062%); highest among the groups gnomAD compares: Non-Finnish European, 0.000085%; no homozygotes.

Submissions (2):

Ambry Genetics
Classification: Uncertain significance for Inborn genetic diseases. Last evaluated: 2025-11-13. Review status: criteria provided, single submitter. Criteria: Ambry Variant Classification Scheme 2023. Collection method: clinical testing. Allele origin: germline.

Labcorp Genetics (formerly Invitae), Labcorp
Classification: Uncertain significance. Last evaluated: 2024-10-24. Review status: criteria provided, single submitter. Criteria: Invitae Variant Classification Sherloc (09022015). Collection method: clinical testing. Allele origin: germline.
Comment: This sequence change replaces lysine, which is basic and polar, with arginine, which is basic and polar, at codon 110 of the PACS2 protein (p.Lys110Arg). This variant is not present in population databases (gnomAD no frequency). This variant has not been reported in the literature in individuals affected with PACS2-related conditions. ClinVar contains an entry for this variant (Variation ID: 1470671). An algorithm developed to predict the effect of missense changes on protein structure and function (PolyPhen-2) suggests that this variant is likely to be tolerated. In summary, the available evidence is currently insufficient to determine the role of this variant in disease. Therefore, it has been classified as a Variant of Uncertain Significance.

NM_001100913.3(PACS2):c.329A>G (p.Lys110Arg)

Gene: PACS2 (phosphofurin acidic cluster sorting protein 2; plus strand). Cytogenetic location: 14q32.33.
Variant type: single nucleotide variant.
Coding change: c.329A>G on transcript NM_001100913.3 (MANE Select); coding-DNA position 329, A replaced by G.
Protein change: p.Lys110Arg; replaces lysine 110 with arginine.
Molecular consequence: missense variant.
Genome position (GRCh38, 1-based): chr14:105,355,083, A>G. VCF-style: chr14-105355083-A-G. GRCh37 (hg19) VCF-style: chr14-105821420-A-G.
Other names: c.128A>G, p.Lys43Arg (NM_001243127.3); c.329A>G, p.Lys110Arg (NM_015197.4); c.329A>G (NM_001100913.2); short protein forms K110R, K43R.
Identifiers: ClinVar variation 1470671 (VCV001470671.9), dbSNP rs1224079453, ClinGen allele CA391200517.